The following is an entry in ClinVar:

ClinVar aggregate classification (germline): Pathogenic. Review status: criteria provided, multiple submitters, no conflicts (2 of 4 stars). 3 submissions from 3 submitters: Pathogenic (3). Last evaluated 2025-10-16.

Conditions:
Hereditary cancer-predisposing syndrome. Also called: Tumor predisposition; Hereditary neoplastic syndrome; Neoplastic Syndromes, Hereditary; Hereditary Cancer Syndrome. Identifiers: Orphanet 140162, MedGen C0027672, MeSH D009386, MONDO:0015356.
Familial adenomatous polyposis 1 (FAP1). Also called: POLYPOSIS, ADENOMATOUS INTESTINAL; FAMILIAL ADENOMATOUS POLYPOSIS 1, ATTENUATED. Identifiers: MedGen C2713442, MONDO:0021056, OMIM 175100. Disease mechanism: loss of function.

Submissions (3):

Ambry Genetics
Classification: Pathogenic for Hereditary cancer-predisposing syndrome. Last evaluated: 2025-10-16. Review status: criteria provided, single submitter. Criteria: Ambry Variant Classification Scheme 2023. Collection method: clinical testing. Allele origin: germline.
Comment: The p.S1032* pathogenic mutation (also known as c.3095C>G), located in coding exon 15 of the APC gene, results from a C to G substitution at nucleotide position 3095. This changes the amino acid from a serine to a stop codon within coding exon 15. This alteration occurs at the 3' terminus of the gene, is not expected to trigger nonsense-mediated mRNA decay, and impacts the last 67.4% of the protein. However, premature stop codons are typically deleterious in nature, and a significant portion of the protein is affected (Ambry internal data). This variant was reported in individual(s) with features consistent with APC-related familial adenomatous polyposis (Danieli PP et al. Am J Med Genet B Neuropsychiatr Genet. 2024 Dec;195:e32999; Ambry internal data). This variant is considered to be rare based on population cohorts in the Genome Aggregation Database (gnomAD). Based on the supporting evidence, this variant is interpreted as a disease-causing mutation.

Labcorp Genetics (formerly Invitae), Labcorp
Classification: Pathogenic for Familial adenomatous polyposis 1. Last evaluated: 2025-01-17. Review status: criteria provided, single submitter. Criteria: Invitae Variant Classification Sherloc (09022015). Collection method: clinical testing. Allele origin: germline.
Comment: This sequence change creates a premature translational stop signal (p.Ser1032*) in the APC gene. While this is not anticipated to result in nonsense mediated decay, it is expected to disrupt the last 1812 amino acid(s) of the APC protein. This variant is not present in population databases (gnomAD no frequency). This premature translational stop signal has been observed in individual(s) with familial adenomatous polyposis (PMID: 10094547). ClinVar contains an entry for this variant (Variation ID: 2583704). A different truncation (p.Tyr2645Lysfs*14) that lies downstream of this variant has been determined to be pathogenic (PMID: 9824584, 1316610, 27081525, 8381579, 22135120, internal data). This suggests that deletion of this region of the APC protein is causative of disease. This variant is expected to disrupt the EB1 and HDLG binding sites, which mediate interactions with the cytoskeleton (PMID: 15311282, 17293347). While functional studies have not been performed to directly test the effect on APC protein function, this suggests that disruption of the C-terminal portion of the protein is functionally important. For these reasons, this variant has been classified as Pathogenic.

Myriad Genetics, Inc.
Classification: Pathogenic for Familial adenomatous polyposis 1. Last evaluated: 2023-05-05. Review status: criteria provided, single submitter. Criteria: Myriad Autosomal Dominant, Autosomal Recessive and X-Linked Classification Criteria (2023). Collection method: clinical testing. Allele origin: unknown.
Comment: This variant is considered pathogenic. This variant creates a termination codon and is predicted to result in premature protein truncation.

Literature cited by the submitters: PubMed 38967411 (cited by Ambry Genetics); PubMed 10094547 (cited by Labcorp Genetics (formerly Invitae), Labcorp); PubMed 9824584 (cited by Labcorp Genetics (formerly Invitae), Labcorp); PubMed 1316610 (cited by Labcorp Genetics (formerly Invitae), Labcorp); PubMed 27081525 (cited by Labcorp Genetics (formerly Invitae), Labcorp); PubMed 8381579 (cited by Labcorp Genetics (formerly Invitae), Labcorp); PubMed 22135120 (cited by Labcorp Genetics (formerly Invitae), Labcorp); PubMed 15311282 (cited by Labcorp Genetics (formerly Invitae), Labcorp); PubMed 17293347 (cited by Labcorp Genetics (formerly Invitae), Labcorp).

NM_000038.6(APC):c.3095C>G (p.Ser1032Ter)

Gene: APC (APC regulator of Wnt signaling pathway; plus strand). Cytogenetic location: 5q22.2.
Variant type: single nucleotide variant.
Coding change: c.3095C>G on transcript NM_000038.6 (MANE Select); coding-DNA position 3095, C replaced by G.
Protein change: p.Ser1032Ter; replaces serine 1032 with a stop codon.
Molecular consequence: nonsense. On other transcripts: non-coding transcript variant (2).
Genome position (GRCh38, 1-based): chr5:112,838,689, C>G. VCF-style: chr5-112838689-C-G. GRCh37 (hg19) VCF-style: chr5-112174386-C-G.
Other names: c.3095C>G, p.Ser1032Ter (NM_001127510.3, NM_001354895.2, NM_001407450.1); c.3041C>G, p.Ser1014Ter (NM_001127511.3); c.3149C>G, p.Ser1050Ter (NM_001354896.2, NM_001407447.1, NM_001407448.1 and 1 more transcripts); c.3125C>G, p.Ser1042Ter (NM_001354897.2); c.3020C>G, p.Ser1007Ter (NM_001354898.2); c.3011C>G, p.Ser1004Ter (NM_001354899.2); c.2972C>G, p.Ser991Ter (NM_001354900.2); c.2918C>G, p.Ser973Ter (NM_001354901.2, NM_001407453.1); and 12 more; short protein forms S1004*, S1007*, S1014*, S1022*, S1025*, S1032*, S1042*, S1050*.
Identifiers: ClinVar variation 2583704 (VCV002583704.4), dbSNP rs2149884210, ClinGen allele CA16028113.